The following is an entry in ClinVar:

NM_003482.4(KMT2D):c.6111C>G (p.Asp2037Glu)

Gene: KMT2D (lysine methyltransferase 2D; minus strand). Cytogenetic location: 12q13.12.
Variant type: single nucleotide variant.
Coding change: c.6111C>G on transcript NM_003482.4 (MANE Select); coding-DNA position 6111, C replaced by G.
Protein change: p.Asp2037Glu; replaces aspartic acid 2037 with glutamic acid.
Molecular consequence: missense variant.
Genome position (GRCh38, 1-based): chr12:49,041,989, G>C on the plus strand (C>G on the coding strand, the complement: KMT2D is on the minus strand). VCF-style: chr12-49041989-G-C. GRCh37 (hg19) VCF-style: chr12-49435772-G-C.
Other names: short protein forms D2037E.
Identifiers: ClinVar variation 2635297 (VCV002635297.3), dbSNP rs1037767393, ClinGen allele CA236612431.
Genomic context (GRCh38, chr12:49,041,989, plus strand): 5'-TTTGTCAGCTGCTGGAACCTTTCTCCAGAGCTTCATGATTTGTTTGCAACGGCTTGACCA[G>C]TCTGGAGGGCAGAGAGAGTGAGTCAGAGAAGACTTGGCAGGCGACTCCTCCACCTGCCAT-3'
Protein context (NP_003473.3, residues 2027-2047): NFPNLKQDYP[Asp2037Glu]WSSRCKQIMK

ClinVar aggregate classification (germline): Uncertain significance. Review status: criteria provided, multiple submitters, no conflicts (2 of 4 stars). 2 submissions from 2 submitters: Uncertain significance (2). Last evaluated 2024-04-11.

Conditions:
Kabuki syndrome. Also called: Kabuki make-up syndrome; NIIKAWA-KUROKI SYNDROME. Identifiers: Orphanet 2322, MedGen C0796004, MONDO:0016512.
KMT2D-related disorder. Also called: KMT2D-Related Disorders.

Allele frequency attached by ClinVar (database versions not stated): TOPMed 0.00001.
gnomAD v4.1: 3 of 1,612,372 alleles (0.00019%); highest among the groups gnomAD compares: East Asian, 0.0067%; no homozygotes.

Submissions (2):

Labcorp Genetics (formerly Invitae), Labcorp
Classification: Uncertain significance for Kabuki syndrome. Last evaluated: 2024-04-11. Review status: criteria provided, single submitter. Criteria: Invitae Variant Classification Sherloc (09022015). Collection method: clinical testing. Allele origin: germline.
Comment: This sequence change replaces aspartic acid, which is acidic and polar, with glutamic acid, which is acidic and polar, at codon 2037 of the KMT2D protein (p.Asp2037Glu). This variant is present in population databases (no rsID available, gnomAD 0.006%). This variant has not been reported in the literature in individuals affected with KMT2D-related conditions. ClinVar contains an entry for this variant (Variation ID: 2635297). An algorithm developed to predict the effect of missense changes on protein structure and function (PolyPhen-2) suggests that this variant is likely to be disruptive. In summary, the available evidence is currently insufficient to determine the role of this variant in disease. Therefore, it has been classified as a Variant of Uncertain Significance.

PreventionGenetics, part of Exact Sciences
Classification: Uncertain significance for KMT2D-related condition. Last evaluated: 2022-11-22. Review status: criteria provided, single submitter. Criteria: ACMG Guidelines, 2015. Collection method: clinical testing. Allele origin: germline.
Comment: The KMT2D c.6111C>G variant is predicted to result in the amino acid substitution p.Asp2037Glu. To our knowledge, this variant has not been reported in the literature. This variant is reported in 0.0056% of alleles in individuals of East Asian descent in gnomAD. At this time, the clinical significance of this variant is uncertain due to the absence of conclusive functional and genetic evidence.